The following is an entry in ClinVar:

NM_005045.4(RELN):c.1909A>G (p.Ile637Val)

Gene: RELN (reelin; minus strand). Cytogenetic location: 7q22.1.
Variant type: single nucleotide variant.
Coding change: c.1909A>G on transcript NM_005045.4 (MANE Select); coding-DNA position 1909, A replaced by G.
Protein change: p.Ile637Val; replaces isoleucine 637 with valine.
Molecular consequence: missense variant.
Genome position (GRCh38, 1-based): chr7:103,650,367, T>C on the plus strand (A>G on the coding strand, the complement: RELN is on the minus strand). VCF-style: chr7-103650367-T-C. GRCh37 (hg19) VCF-style: chr7-103290814-T-C.
Other names: c.1909A>G, p.Ile637Val (NM_173054.3); short protein forms I637V.
Identifiers: ClinVar variation 933385 (VCV000933385.11), dbSNP rs530120957, ClinGen allele CA4422136.

ClinVar aggregate classification (germline): Conflicting classifications of pathogenicity. Review status: criteria provided, conflicting classifications (1 of 4 stars). 2 submissions from 2 submitters: Uncertain significance (1); Likely benign (1). Last evaluated 2024-08-29.

Conditions:
Norman-Roberts syndrome (LIS2). Also called: Lissencephaly 2 (Norman-Roberts type). Identifiers: Orphanet 89844, MedGen C0796089, MONDO:0009760, OMIM 257320.
Familial temporal lobe epilepsy 7. Identifiers: Orphanet 101046, MedGen C4225327, MONDO:0014639, OMIM 616436.

Allele frequency attached by ClinVar (database versions not stated): gnomAD exomes below 0.00001 and 0.00004; gnomAD 0.00001 and 0.00002; TOPMed 0.00002; ExAC 0.00004; 1000 Genomes Project 30x 0.00016; 1000 Genomes Project 0.00020.
gnomAD v4.1: 9 of 1,611,498 alleles (0.00056%); highest among the groups gnomAD compares: East Asian, 0.018%; no homozygotes.

Submissions (2):

Labcorp Genetics (formerly Invitae), Labcorp
Classification: Likely benign for Familial temporal lobe epilepsy 7; Norman-Roberts syndrome. Last evaluated: 2024-08-29. Review status: criteria provided, single submitter. Criteria: Invitae Variant Classification Sherloc (09022015). Collection method: clinical testing. Allele origin: germline.

GeneDx
Classification: Uncertain significance. Last evaluated: 2024-05-07. Review status: criteria provided, single submitter. Criteria: GeneDx Variant Classification Process June 2021. Collection method: clinical testing. Allele origin: germline. Affected: yes.
Comment: In silico analysis indicates that this missense variant does not alter protein structure/function; Has not been previously published as pathogenic or benign to our knowledge